The following is an entry in ClinVar:

NM_001386140.1(MTTP):c.1964G>T (p.Gly655Val)

Gene: MTTP (microsomal triglyceride transfer protein; plus strand). Cytogenetic location: 4q23.
Variant type: single nucleotide variant.
Coding change: c.1964G>T on transcript NM_001386140.1 (MANE Select); coding-DNA position 1964, G replaced by T.
Protein change: p.Gly655Val; replaces glycine 655 with valine.
Molecular consequence: missense variant.
Genome position (GRCh38, 1-based): chr4:99,611,428, G>T. VCF-style: chr4-99611428-G-T. GRCh37 (hg19) VCF-style: chr4-100532585-G-T.
Other names: c.1964G>T, p.Gly655Val (NM_000253.4); c.1715G>T, p.Gly572Val (NM_001300785.2); short protein forms G572V, G655V.
Identifiers: ClinVar variation 1485855 (VCV001485855.8), dbSNP rs2110232019, ClinGen allele CA357516124.

ClinVar aggregate classification (germline): Uncertain significance (1 of 4 stars; one submission).

Submission:

Labcorp Genetics (formerly Invitae), Labcorp
Classification: Uncertain significance. Last evaluated: 2021-03-08. Review status: criteria provided, single submitter. Criteria: Invitae Variant Classification Sherloc (09022015). Collection method: clinical testing. Allele origin: germline.
Comment: This variant has not been reported in the literature in individuals with MTTP-related conditions. In summary, the available evidence is currently insufficient to determine the role of this variant in disease. Therefore, it has been classified as a Variant of Uncertain Significance. Algorithms developed to predict the effect of missense changes on protein structure and function are either unavailable or do not agree on the potential impact of this missense change (SIFT: "Deleterious"; PolyPhen-2: "Benign"; Align-GVGD: "Class C0"). This variant is not present in population databases (ExAC no frequency). This sequence change replaces glycine with valine at codon 655 of the MTTP protein (p.Gly655Val). The glycine residue is moderately conserved and there is a moderate physicochemical difference between glycine and valine.